The following is an entry in ClinVar:

NM_032578.4(MYPN):c.395C>T (p.Pro132Leu)

Gene: MYPN (myopalladin; plus strand). Cytogenetic location: 10q21.3.
Variant type: single nucleotide variant.
Coding change: c.395C>T on transcript NM_032578.4 (MANE Select); coding-DNA position 395, C replaced by T.
Protein change: p.Pro132Leu; replaces proline 132 with leucine.
Molecular consequence: missense variant. On other transcripts: 5 prime UTR variant (1), non-coding transcript variant (1).
Genome position (GRCh38, 1-based): chr10:68,121,833, C>T. VCF-style: chr10-68121833-C-T. GRCh37 (hg19) VCF-style: chr10-69881590-C-T.
Other names: p.Pro132Leu; c.395C>T, p.Pro132Leu (NM_001256267.2); c.-728C>T (NM_001256268.2); short protein forms P132L.
Identifiers: ClinVar variation 381488 (VCV000381488.26), dbSNP rs201203517, ClinGen allele CA5522270.
Genomic context (GRCh38, chr10:68,121,833, plus strand): 5'-GTTTTGAGCCTAACTTCTGCCAGGATAACCCTCGAAGTCCCACCAGCTCTAAAGAAAGCC[C>T]CCAGGAGGCAAAAAGGCCACAGTATTGTTCTGAAACCCAGTCCAAAAAAGTATTTTTAAA-3'
Protein context (NP_115967.2, residues 122-142): PRSPTSSKES[Pro132Leu]QEAKRPQYCS

ClinVar aggregate classification (germline): Conflicting classifications of pathogenicity. Review status: criteria provided, conflicting classifications (1 of 4 stars). 7 submissions from 7 submitters: Uncertain significance (1); Likely benign (6). Last evaluated 2026-01-12.

Conditions:
MYPN-related disorder. Also called: MYPN-related condition.
Cardiovascular phenotype. Identifiers: MedGen CN230736.
Dilated cardiomyopathy 1KK (CMD1KK). Identifiers: Orphanet 154, Orphanet 75249, MedGen C3714995, MONDO:0014100, OMIM 615248.

Allele frequency attached by ClinVar (database versions not stated): gnomAD 0.00011 and 0.00016; ExAC 0.00015; gnomAD exomes 0.00017; TOPMed 0.00022; ESP Exome Variant Server 0.00023; 1000 Genomes Project 0.00120; 1000 Genomes Project 30x 0.00141.

Submissions (7):

Labcorp Genetics (formerly Invitae), Labcorp
Classification: Likely benign for Dilated cardiomyopathy 1KK. Last evaluated: 2026-01-12. Review status: criteria provided, single submitter. Criteria: Invitae Variant Classification Sherloc (09022015). Collection method: clinical testing. Allele origin: germline.

Mayo Clinic Laboratories, Mayo Clinic
Classification: Likely benign. Last evaluated: 2025-06-25. Review status: criteria provided, single submitter. Criteria: ACMG Guidelines, 2015. Collection method: clinical testing. Allele origin: germline. Observed: 1 variant allele.
Comment: BS1, BP4_moderate

PreventionGenetics, part of Exact Sciences
Classification: Likely benign for MYPN-related condition. Last evaluated: 2025-02-08. Review status: criteria provided, single submitter. Criteria: ACMG Guidelines, 2015. Collection method: clinical testing. Allele origin: germline.
Comment: This variant is classified as likely benign based on ACMG/AMP sequence variant interpretation guidelines (Richards et al. 2015 PMID: 25741868, with internal and published modifications).

Blueprint Genetics
Classification: Likely benign. Last evaluated: 2024-07-05. Review status: criteria provided, single submitter. Criteria: ACMG Guidelines, 2015. Collection method: clinical testing. Allele origin: germline.

Ambry Genetics
Classification: Likely benign for Cardiovascular phenotype. Last evaluated: 2023-03-07. Review status: criteria provided, single submitter. Criteria: Ambry Variant Classification Scheme 2023. Collection method: clinical testing. Allele origin: germline.

Revvity Omics, Revvity
Classification: Uncertain significance. Last evaluated: 2023-01-09. Review status: criteria provided, single submitter. Criteria: ACMG Guidelines, 2015. Collection method: clinical testing. Allele origin: germline.

GeneDx
Classification: Likely benign. Last evaluated: 2021-01-26. Review status: criteria provided, single submitter. Criteria: GeneDx Variant Classification Process June 2021. Collection method: clinical testing. Allele origin: germline. Affected: yes.